The following is an entry in ClinVar:

NM_000238.4(KCNH2):c.1601G>T (p.Arg534Leu)

Gene: KCNH2 (potassium voltage-gated channel subfamily H member 2; minus strand). Cytogenetic location: 7q36.1.
Variant type: single nucleotide variant.
Coding change: c.1601G>T on transcript NM_000238.4 (MANE Select); coding-DNA position 1601, G replaced by T.
Protein change: p.Arg534Leu; replaces arginine 534 with leucine.
Molecular consequence: missense variant.
Genome position (GRCh38, 1-based): chr7:150,951,792, C>A on the plus strand (G>T on the coding strand, the complement: KCNH2 is on the minus strand). VCF-style: chr7-150951792-C-A. GRCh37 (hg19) VCF-style: chr7-150648880-C-A.
Other names: c.1601G>T (LRG_288t1); c.581G>T, p.Arg194Leu (NM_001204798.2, NM_172057.3); c.1313G>T, p.Arg438Leu (NM_001406753.1, NM_001406756.1); c.1424G>T, p.Arg475Leu (NM_001406755.1); c.1301G>T, p.Arg434Leu (NM_001406757.1); c.1601G>T, p.Arg534Leu (NM_172056.3); short protein forms R194L, R534L, R438L, R475L, R434L.
Identifiers: ClinVar variation 67221 (VCV000067221.9), dbSNP rs199473516, ClinGen allele CA004912.

ClinVar aggregate classification (germline): Uncertain significance. Review status: criteria provided, multiple submitters, no conflicts (2 of 4 stars). 3 submissions from 3 submitters: Uncertain significance (2). 1 of the submissions does not count toward it. Last evaluated 2024-12-07.

Conditions:
Cardiovascular phenotype. Identifiers: MedGen CN230736.
Familial long QT syndrome (RWS). Also called: Congenital long QT syndrome; Romano-Ward syndrome; VENTRICULAR FIBRILLATION WITH PROLONGED QT INTERVAL. Identifiers: Orphanet 768, MedGen C1141890, MONDO:0019171.
Long QT syndrome (LQTS). Identifiers: MedGen C0023976, MeSH D008133, MONDO:0002442. Disease mechanism: loss of function. Inheritance: Various modes of inheritance.

Submissions (3):

Labcorp Genetics (formerly Invitae), Labcorp
Classification: Uncertain significance for Long QT syndrome. Last evaluated: 2024-12-07. Review status: criteria provided, single submitter. Criteria: Invitae Variant Classification Sherloc (09022015). Collection method: clinical testing. Allele origin: germline.
Comment: This sequence change replaces arginine, which is basic and polar, with leucine, which is neutral and non-polar, at codon 534 of the KCNH2 protein (p.Arg534Leu). This variant is not present in population databases (gnomAD no frequency). This missense change has been observed in individual(s) with clinical features of long QT syndrome (PMID: 16414944, 19716085; internal data). ClinVar contains an entry for this variant (Variation ID: 67221). An algorithm developed to predict the effect of missense changes on protein structure and function (PolyPhen-2) suggests that this variant is likely to be disruptive. Experimental studies have shown that this missense change affects KCNH2 function (PMID: 23546015). This variant disrupts the p.Arg534 amino acid residue in KCNH2. Other variant(s) that disrupt this residue have been determined to be pathogenic (PMID: 9600240, 11668638, 18441445, 21308345, 22949429). This suggests that this residue is clinically significant, and that variants that disrupt this residue are likely to be disease-causing. In summary, the available evidence is currently insufficient to determine the role of this variant in disease. Therefore, it has been classified as a Variant of Uncertain Significance.

Ambry Genetics
Classification: Uncertain significance for Cardiovascular phenotype. Last evaluated: 2020-01-27. Review status: criteria provided, single submitter. Criteria: Ambry Variant Classification Scheme 2023. Collection method: clinical testing. Allele origin: germline.

Cardiovascular Biomedical Research Unit, Royal Brompton & Harefield NHS Foundation Trust
No classification provided. Condition: Familial long QT syndrome. Review status: no classification provided. Collection method: literature only. Allele origin: germline. Not counted in ClinVar's aggregate classification.
Comment: This variant has been reported as associated with Long QT syndrome in the following publications (PMID:16414944;PMID:19716085). This is a literature report, and does not necessarily reflect the clinical interpretation of the Imperial College / Royal Brompton Cardiovascular Genetics laboratory.

Literature cited by the submitters: PubMed 16414944 (cited by Labcorp Genetics (formerly Invitae), Labcorp and Cardiovascular Biomedical Research Unit, Royal Brompton & Harefield NHS Foundation Trust); PubMed 19716085 (cited by Labcorp Genetics (formerly Invitae), Labcorp and Cardiovascular Biomedical Research Unit, Royal Brompton & Harefield NHS Foundation Trust); PubMed 23546015 (cited by Labcorp Genetics (formerly Invitae), Labcorp); PubMed 9600240 (cited by Labcorp Genetics (formerly Invitae), Labcorp); PubMed 11668638 (cited by Labcorp Genetics (formerly Invitae), Labcorp); PubMed 18441445 (cited by Labcorp Genetics (formerly Invitae), Labcorp); PubMed 21308345 (cited by Labcorp Genetics (formerly Invitae), Labcorp); PubMed 22949429 (cited by Labcorp Genetics (formerly Invitae), Labcorp); PubMed 22581653 (cited by Cardiovascular Biomedical Research Unit, Royal Brompton & Harefield NHS Foundation Trust).